The following is an entry in ClinVar:

NM_153682.3(PIGP):c.-22-45G>A

Genes: PIGP (phosphatidylinositol glycan anchor biosynthesis class P; minus strand), LOC130066643 (ATAC-STARR-seq lymphoblastoid silent region 13296; plus strand). Cytogenetic location: 21q22.13.
Variant type: single nucleotide variant.
Coding change: c.-22-45G>A on transcript NM_153682.3 (MANE Select); 45 bases into the intron before 22 bases upstream of the start codon, G replaced by A.
Molecular consequence: intron variant. On other transcripts: synonymous variant (1).
Genome position (GRCh38, 1-based): chr21:37,072,582, C>T on the plus strand (G>A on the coding strand, the complement: PIGP is on the minus strand). VCF-style: chr21-37072582-C-T. GRCh37 (hg19) VCF-style: chr21-38444882-C-T.
Other names: c.6G>A, p.Val2= (NM_153681.2); c.-266-45G>A (NM_016430.4); c.-22-45G>A (NM_001320480.2).
Identifiers: ClinVar variation 1588697 (VCV001588697.15), dbSNP rs574981993, ClinGen allele CA10021205.

ClinVar aggregate classification (germline): Likely benign. Review status: criteria provided, multiple submitters, no conflicts (2 of 4 stars). 3 submissions from 3 submitters: Likely benign (3). Last evaluated 2026-07-10.

Conditions:
PIGP-related disorder. Also called: PIGP-related condition.

Allele frequency attached by ClinVar (database versions not stated): gnomAD exomes 0.00008; gnomAD 0.00008; TOPMed 0.00017.
gnomAD v4.1: 124 of 1,613,862 alleles (0.0077%); highest among the groups gnomAD compares: Admixed American, 0.067%; no homozygotes.

Submissions (3):

PreventionGenetics, part of Exact Sciences
Classification: Likely benign for PIGP-related condition. Last evaluated: 2026-07-10. Review status: criteria provided, single submitter. Criteria: ACMG Guidelines, 2015. Collection method: clinical testing. Allele origin: germline.
Comment: This variant is classified as likely benign based on ACMG/AMP sequence variant interpretation guidelines (Richards et al. 2015 PMID: 25741868, with internal and published modifications).

Labcorp Genetics (formerly Invitae), Labcorp
Classification: Likely benign. Last evaluated: 2026-01-12. Review status: criteria provided, single submitter. Criteria: Invitae Variant Classification Sherloc (09022015). Collection method: clinical testing. Allele origin: germline.

CeGaT Center for Human Genetics Tuebingen
Classification: Likely benign. Last evaluated: 2025-11-01. Review status: criteria provided, single submitter. Criteria: CeGaT Center For Human Genetics Tuebingen Variant Classification Criteria Version 2. Collection method: clinical testing. Allele origin: germline. Affected: yes. Observed: 1 variant allele.
Comment: PIGP: BP4, BP7